The following is an entry in ClinVar:

ClinVar aggregate classification (germline): Likely pathogenic. Review status: criteria provided, single submitter (1 of 4 stars). 2 submissions from 2 submitters: Likely pathogenic (1). 1 of the submissions does not count toward it. Last evaluated 2021-04-12.

Conditions:
Combined oxidative phosphorylation deficiency 51. Identifiers: MedGen C5436703, MONDO:0033631, OMIM 619057.

Allele frequency attached by ClinVar (database versions not stated): TOPMed below 0.00001.

Submissions (2):

Laboratorio de Genetica e Diagnostico Molecular, Hospital Israelita Albert Einstein
Classification: Likely pathogenic. Last evaluated: 2021-04-12. Review status: criteria provided, single submitter. Criteria: ACMG Guidelines, 2015. Collection method: clinical testing. Allele origin: germline. Affected: yes.
Comment: ACMG classification criteria: PVS1, PM2

OMIM
Classification: Pathogenic for COMBINED OXIDATIVE PHOSPHORYLATION DEFICIENCY 51. Last evaluated: 2024-02-08. Review status: no assertion criteria provided. Collection method: literature only. Allele origin: germline. Not counted in ClinVar's aggregate classification.

Literature cited by the submitters: PubMed 36450274 (cited by OMIM).

NM_017952.6(PTCD3):c.710del (p.Thr237fs)

Gene: PTCD3 (pentatricopeptide repeat domain 3; plus strand). Cytogenetic location: 2p11.2.
Variant type: Deletion.
Coding change: c.710del on transcript NM_017952.6 (MANE Select); coding-DNA position 710, one base deleted (C; older notation c.710delC).
Protein change: p.Thr237fs; shifts the reading frame from threonine 237.
Molecular consequence: frameshift variant.
Genome position (GRCh38, 1-based): chr2:86,123,756, C deleted. VCF-style (leftmost placement, unchanged base first): chr2-86123755-AC-A. GRCh37 (hg19) VCF-style: chr2-86350878-AC-A.
Other names: c.710delC (NM_017952.6); short protein forms T237fs.
Identifiers: ClinVar variation 1691029 (VCV001691029.4), dbSNP rs1674335308, ClinGen allele CA1267083943.
Genomic context (GRCh38, chr2:86,123,755, plus strand): 5'-TTTCAGGAAGAGGAAAATGATGAGACATCTAGGAGGAAAGCTGGTCATCAGTTTGGAGTT[AC>A]ATGGCGGTATGTCACACGTAATTAGAACCTTGAATTACAGTGTCTTACAGTGCATGGAAT-3'